The following is an entry in ClinVar:

NM_003244.4(TGIF1):c.16+5G>A

Gene: TGIF1 (TGFB induced factor homeobox 1; plus strand). Cytogenetic location: 18p11.31.
Variant type: single nucleotide variant.
Coding change: c.16+5G>A on transcript NM_003244.4 (MANE Select); 5 bases into the intron after coding-DNA position 16, G replaced by A.
Molecular consequence: intron variant.
Genome position (GRCh38, 1-based): chr18:3,450,510, G>A. VCF-style: chr18-3450510-G-A. GRCh37 (hg19) VCF-style: chr18-3450508-G-A.
Other names: c.-44-5844G>A (NM_174886.3, NM_001278686.3); c.58+2713G>A (NM_173207.4); c.-45+1971G>A (NM_001374396.1); c.25+854G>A (NM_001278682.2); c.16+5G>A (NM_173208.3, NM_001278684.2); c.-45+440G>A (NM_173209.3).
Identifiers: ClinVar variation 5018349 (VCV005018349.1).

ClinVar aggregate classification (germline): Uncertain significance (1 of 4 stars; one submission).

gnomAD v4.1: 6 of 1,561,296 alleles (0.00038%); highest among the groups gnomAD compares: Non-Finnish European, 0.00052%; no homozygotes.

Submission:

GeneDx
Classification: Uncertain significance. Last evaluated: 2026-04-09. Review status: criteria provided, single submitter. Criteria: GeneDx Variant Classification Process June 2021. Collection method: clinical testing. Allele origin: germline.
Comment: Not observed at significant frequency in large population cohorts (gnomAD); In silico analysis suggests that this variant does not alter splicing; Has not been previously published as pathogenic or benign to our knowledge